The following is an entry in ClinVar:

ClinVar aggregate classification (germline): Uncertain significance. Review status: criteria provided, multiple submitters, no conflicts (2 of 4 stars). 4 submissions from 4 submitters: Uncertain significance (4). Last evaluated 2025-05-27.

Conditions:
Inborn genetic diseases. Identifiers: MedGen C0950123, MeSH D030342.
Developmental and epileptic encephalopathy, 11 (DEE11). Also called: Early infantile epileptic encephalopathy 11. Identifiers: Orphanet 1934, MedGen C3150987, MONDO:0013388, OMIM 613721.
Seizures, benign familial infantile, 3 (BFIS3). Also called: CONVULSIONS, BENIGN FAMILIAL INFANTILE, 3; Familial neonatal seizures. Identifiers: Orphanet 140927, Orphanet 306, MedGen C1843140, MONDO:0011904, OMIM 607745.

gnomAD v4.1: 12 of 1,613,788 alleles (0.00074%); highest among the groups gnomAD compares: South Asian, 0.0011%; no homozygotes.

Submissions (4):

Labcorp Genetics (formerly Invitae), Labcorp
Classification: Uncertain significance for Seizures, benign familial infantile, 3; Developmental and epileptic encephalopathy, 11. Last evaluated: 2025-05-27. Review status: criteria provided, single submitter. Criteria: Invitae Variant Classification Sherloc (09022015). Collection method: clinical testing. Allele origin: germline.
Comment: This sequence change replaces glycine, which is neutral and non-polar, with arginine, which is basic and polar, at codon 658 of the SCN2A protein (p.Gly658Arg). This variant is present in population databases (no rsID available, gnomAD 0.003%). This variant has not been reported in the literature in individuals affected with SCN2A-related conditions. ClinVar contains an entry for this variant (Variation ID: 988014). Invitae Evidence Modeling of protein sequence and biophysical properties (such as structural, functional, and spatial information, amino acid conservation, physicochemical variation, residue mobility, and thermodynamic stability) has been performed for this missense variant. However, the output from this modeling did not meet the statistical confidence thresholds required to predict the impact of this variant on SCN2A protein function. In summary, the available evidence is currently insufficient to determine the role of this variant in disease. Therefore, it has been classified as a Variant of Uncertain Significance.

Ambry Genetics
Classification: Uncertain significance for Inborn genetic diseases. Last evaluated: 2024-12-09. Review status: criteria provided, single submitter. Criteria: Ambry Variant Classification Scheme 2023. Collection method: clinical testing. Allele origin: germline.

GeneDx
Classification: Uncertain significance. Last evaluated: 2024-05-02. Review status: criteria provided, single submitter. Criteria: GeneDx Variant Classification Process June 2021. Collection method: clinical testing. Allele origin: germline. Affected: yes.
Comment: Not observed at significant frequency in large population cohorts (gnomAD); In silico analysis supports that this missense variant has a deleterious effect on protein structure/function; This substitution is predicted to be in the cytoplasmic loop between the first and second homologous domains; Has not been previously published as pathogenic or benign to our knowledge; This variant is associated with the following publications: (PMID: 15048894, 3508699, 27397505, 28379373)

Johns Hopkins Genomics, Johns Hopkins University
Classification: Uncertain significance for Seizures, benign familial infantile, 3. Last evaluated: 2020-11-17. Review status: criteria provided, single submitter. Criteria: ACMG Guidelines, 2015. Collection method: clinical testing. Allele origin: germline.
Comment: This SCN2A variant (rs767183298) is rare (<0.1%) in a large population dataset (gnomAD: 1/248314 total alleles; 0.0004%; no homozygotes) and has not been reported previously in the literature to our knowledge. A variant that results in a different amino acid substitution at this position has been reported to ClinVar. Three bioinformatics tools predict this variant would be damaging. The glycine at this position is strongly conserved across the species assessed. This variant is not predicted to affect normal exon 12 splicing, although this has not been confirmed experimentally to our knowledge. Due to insufficient evidence, we consider the clinical significance of c.1972G>A to be uncertain at this time.

Literature cited by the submitters: PubMed 15048894 (cited by Johns Hopkins Genomics, Johns Hopkins University); PubMed 28379373 (cited by Johns Hopkins Genomics, Johns Hopkins University); PubMed 3508699 (cited by Johns Hopkins Genomics, Johns Hopkins University).

NM_001040142.2(SCN2A):c.1972G>A (p.Gly658Arg)

Gene: SCN2A (sodium voltage-gated channel alpha subunit 2; plus strand). Cytogenetic location: 2q24.3.
Variant type: single nucleotide variant.
Coding change: c.1972G>A on transcript NM_001040142.2 (MANE Select); coding-DNA position 1972, G replaced by A.
Protein change: p.Gly658Arg; replaces glycine 658 with arginine.
Molecular consequence: missense variant.
Genome position (GRCh38, 1-based): chr2:165,323,456, G>A. VCF-style: chr2-165323456-G-A. GRCh37 (hg19) VCF-style: chr2-166179966-G-A.
Other names: c.1972G>A, p.Gly658Arg (NM_001040143.2, NM_001371246.1, NM_001371247.1 and 1 more transcripts); c.1972G>A (NM_021007.2); short protein forms G658R.
Identifiers: ClinVar variation 988014 (VCV000988014.7), dbSNP rs767183298, ClinGen allele CA349027742.